The following is an entry in ClinVar:

ClinVar aggregate classification (germline): Pathogenic (1 of 4 stars; one submission).

Submission:

Labcorp Genetics (formerly Invitae), Labcorp
Classification: Pathogenic. Last evaluated: 2022-12-14. Review status: criteria provided, single submitter. Criteria: Invitae Variant Classification Sherloc (09022015). Collection method: clinical testing. Allele origin: germline.
Comment: This variant is not present in population databases (gnomAD no frequency). This sequence change creates a premature translational stop signal (p.Ser359Argfs*12) in the LOXHD1 gene. It is expected to result in an absent or disrupted protein product. Loss-of-function variants in LOXHD1 are known to be pathogenic (PMID: 19732867, 21465660, 25792669). This variant has not been reported in the literature in individuals affected with LOXHD1-related conditions. For these reasons, this variant has been classified as Pathogenic.

Literature cited by the submitters: PubMed 19732867; PubMed 21465660; PubMed 25792669.

NM_001384474.1(LOXHD1):c.1077_1096del (p.Ser359fs)

Gene: LOXHD1 (lipoxygenase homology PLAT domains 1; minus strand). Cytogenetic location: 18q21.1.
Variant type: Deletion.
Coding change: c.1077_1096del on transcript NM_001384474.1 (MANE Select); coding-DNA positions 1077 to 1096, 20 bases deleted (TCGGGTCTCCGTCGGGCATG).
Protein change: p.Ser359fs; shifts the reading frame from serine 359.
Molecular consequence: frameshift variant.
Genome position (GRCh38, 1-based): chr18:46,601,255-46,601,274, CATGCCCGACGGAGACCCGA deleted on the plus strand (TCGGGTCTCCGTCGGGCATG on the coding strand, the reverse complement: LOXHD1 is on the minus strand); deleting any 20 consecutive bases within chr18:46,601,255-46,601,275 gives the same sequence; the c. name uses the placement nearest the transcript's 3' end. VCF-style (leftmost placement, unchanged base first): chr18-46601254-CCATGCCCGACGGAGACCCGA-C. GRCh37 (hg19) VCF-style: chr18-44181217-CCATGCCCGACGGAGACCCGA-C.
Other names: c.1077_1096del, p.Ser359fs (NM_144612.7); short protein forms S359fs.
Identifiers: ClinVar variation 2966139 (VCV002966139.3), dbSNP rs2511953554, ClinGen allele CA2740091803.